The following is an entry in ClinVar:

ClinVar aggregate classification (germline): Likely benign. Review status: criteria provided, multiple submitters, no conflicts (2 of 4 stars). 7 submissions from 7 submitters: Likely benign (4). 3 of the submissions do not count toward it. Last evaluated 2026-07-01.

Conditions:
IL17RC-related disorder. Also called: IL17RC-related condition.
Candidiasis, familial, 9 (CANDF9). Identifiers: Orphanet 1334, MedGen C4225324, MONDO:0014642, OMIM 616445.

Allele frequency attached by ClinVar (database versions not stated): 1000 Genomes Project 0.00040; 1000 Genomes Project 30x 0.00047; gnomAD exomes 0.00181 and 0.00307; ExAC 0.00188; gnomAD 0.00213 and 0.00220; TOPMed 0.00226; ESP Exome Variant Server 0.00308.
gnomAD v4.1: 4,767 of 1,613,640 alleles (0.3%); highest among the groups gnomAD compares: Non-Finnish European, 0.37%; 14 homozygotes.

Submissions (7):

CeGaT Center for Human Genetics Tuebingen
Classification: Likely benign. Last evaluated: 2026-07-01. Review status: criteria provided, single submitter. Criteria: CeGaT Center For Human Genetics Tuebingen Variant Classification Criteria Version 2. Collection method: clinical testing. Allele origin: germline. Affected: yes. Observed: 3 variant alleles.
Comment: IL17RC: BP4, BS2

Labcorp Genetics (formerly Invitae), Labcorp
Classification: Likely benign for Candidiasis, familial, 9. Last evaluated: 2026-02-02. Review status: criteria provided, single submitter. Criteria: Invitae Variant Classification Sherloc (09022015). Collection method: clinical testing. Allele origin: germline.

Mayo Clinic Laboratories, Mayo Clinic
Classification: Likely benign. Last evaluated: 2025-10-29. Review status: criteria provided, single submitter. Criteria: ACMG Guidelines, 2015. Collection method: clinical testing. Allele origin: germline. Observed: 1 variant allele.
Comment: BS2, BP4_moderate

Blueprint Genetics
Classification: Likely benign. Last evaluated: 2024-11-19. Review status: criteria provided, single submitter. Criteria: ACMG Guidelines, 2015. Collection method: clinical testing. Allele origin: germline.

PreventionGenetics, part of Exact Sciences
Classification: Likely benign for IL17RC-related condition. Last evaluated: 2024-01-02. Review status: no assertion criteria provided. Collection method: clinical testing. Allele origin: germline. Not counted in ClinVar's aggregate classification.
Comment: This variant is classified as likely benign based on ACMG/AMP sequence variant interpretation guidelines (Richards et al. 2015 PMID: 25741868, with internal and published modifications).

Clinical Genetics DNA and cytogenetics Diagnostics Lab, Erasmus MC, Erasmus Medical Center
Classification: Likely benign. Review status: no assertion criteria provided. Collection method: clinical testing. Allele origin: germline. Affected: yes. Study: VKGL Data-share Consensus. Not counted in ClinVar's aggregate classification.

Genome Diagnostics Laboratory, University Medical Center Utrecht
Classification: Likely benign. Review status: no assertion criteria provided. Collection method: clinical testing. Allele origin: germline. Affected: yes. Study: VKGL Data-share Consensus. Not counted in ClinVar's aggregate classification.

NM_153460.4(IL17RC):c.161T>C (p.Val54Ala)

Gene: IL17RC (interleukin 17 receptor C; plus strand). Cytogenetic location: 3p25.3.
Variant type: single nucleotide variant.
Coding change: c.161T>C on transcript NM_153460.4 (MANE Select); coding-DNA position 161, T replaced by C.
Protein change: p.Val54Ala; replaces valine 54 with alanine.
Molecular consequence: missense variant. On other transcripts: non-coding transcript variant (1).
Genome position (GRCh38, 1-based): chr3:9,917,956, T>C. VCF-style: chr3-9917956-T-C. GRCh37 (hg19) VCF-style: chr3-9959640-T-C.
Other names: p.Val125Ala; c.161T>C, p.Val54Ala (NM_001203263.2, NM_001203264.2, NM_001203265.2 and 4 more transcripts); c.374T>C, p.Val125Ala (NM_153461.4); short protein forms V125A, V54A.
Identifiers: ClinVar variation 475929 (VCV000475929.49), dbSNP rs138985119, ClinGen allele CA2246753.
Genomic context (GRCh38, chr3:9,917,956, plus strand): 5'-AGCTCCCACCCGCTCCTCCACACACAGACAGTGACATACTCTGCCTGCCTGGGGACATCG[T>C]GCCTGCTCCGGGCCCCGTGCTGGCGCCTACGCACCTGCAGACAGAGCTGGTGCTGAGGTG-3'
Protein context (NP_703190.2, residues 44-64): SDILCLPGDI[Val54Ala]PAPGPVLAPT